The following is an entry in ClinVar:

NM_001360.3(DHCR7):c.831+1G>A

Gene: DHCR7 (7-dehydrocholesterol reductase; minus strand). Cytogenetic location: 11q13.4.
Variant type: single nucleotide variant.
Coding change: c.831+1G>A on transcript NM_001360.3 (MANE Select); the canonical splice donor site of the intron after coding-DNA position 831, G replaced by A.
Molecular consequence: splice donor variant.
Genome position (GRCh38, 1-based): chr11:71,438,878, C>T on the plus strand (G>A on the coding strand, the complement: DHCR7 is on the minus strand). VCF-style: chr11-71438878-C-T. GRCh37 (hg19) VCF-style: chr11-71149924-C-T.
Other names: c.831+1G>A (NM_001425120.1, NM_001425109.1, NM_001163817.2 and 6 more transcripts); c.735+1G>A (NM_001425114.1, NM_001425116.1); c.771+1G>A (NM_001425113.1); c.882+1G>A (NM_001425107.1); c.867+1G>A (NM_001425108.1); c.657+1G>A (NM_001425117.1).
Identifiers: ClinVar variation 4814838 (VCV004814838.2).

ClinVar aggregate classification (germline): Pathogenic/Likely pathogenic. Review status: criteria provided, multiple submitters, no conflicts (2 of 4 stars). 2 submissions from 2 submitters: Pathogenic (1); Likely pathogenic (1). Last evaluated 2025-06-08.

Conditions:
Smith-Lemli-Opitz syndrome (SLOS). Also called: LETHAL ACRODYSGENITAL SYNDROME; POLYDACTYLY, SEX REVERSAL, RENAL HYPOPLASIA, AND UNILOBAR LUNG; RSH SYNDROME; RUTLEDGE LETHAL MULTIPLE CONGENITAL ANOMALY SYNDROME; 7-Dehydrocholesterol reductase deficiency. Identifiers: Orphanet 818, MedGen C0175694, MONDO:0010035, OMIM 270400.

Submissions (2):

Natera, Inc.
Classification: Pathogenic for Smith-Lemli-Opitz syndrome. Last evaluated: 2025-06-08. Review status: criteria provided, single submitter. Criteria: Natera Variant Classification Schema (03/2026). Collection method: clinical testing. Allele origin: germline.
Comment: The c.831+1G>A variant in DHCR7 is a canonical splice donor site variant predicted to affect pre-mRNA splicing, which may result in an abnormal transcript and altered protein product. This variant is expected to result in nonsense mediated decay, truncation, or a dysfunctional protein product. This variant is rare in the general population with a frequency below the threshold expected for the associated phenotype(s). This variant has been observed in one or more individuals affected with the associated recessive disease, as either homozygous or compound heterozygous with a second variant (PMID: 30674241). Given the available evidence, this variant is classified as Pathogenic.

Kariminejad - Najmabadi Pathology & Genetics Center
Classification: Likely pathogenic for Smith-Lemli-Opitz syndrome. Review status: criteria provided, single submitter. Criteria: ACMG Guidelines, 2015. Collection method: clinical testing. Allele origin: germline. Affected: no.

Literature cited by the submitters: PubMed 30674241 (cited by Natera, Inc.).